The following is an entry in ClinVar:

ClinVar aggregate classification (germline): Uncertain significance (1 of 4 stars; one submission).

Conditions:
Distal hereditary motor neuropathy type 2. Identifiers: Orphanet 139525, MedGen C3711384, MeSH C580044, MONDO:0015352.

gnomAD v4.1: 1 of 1,608,450 alleles (0.000062%); highest among the groups gnomAD compares: Non-Finnish European, 0.000085%; no homozygotes.

Submission:

Labcorp Genetics (formerly Invitae), Labcorp
Classification: Uncertain significance for Distal hereditary motor neuropathy type 2. Last evaluated: 2025-07-16. Review status: criteria provided, single submitter. Criteria: Invitae Variant Classification Sherloc (09022015). Collection method: clinical testing. Allele origin: germline.
Comment: This sequence change replaces alanine, which is neutral and non-polar, with valine, which is neutral and non-polar, at codon 92 of the FBXO38 protein (p.Ala92Val). This variant is not present in population databases (gnomAD no frequency). This variant has not been reported in the literature in individuals affected with FBXO38-related conditions. Invitae Evidence Modeling of protein sequence and biophysical properties (such as structural, functional, and spatial information, amino acid conservation, physicochemical variation, residue mobility, and thermodynamic stability) indicates that this missense variant is not expected to disrupt FBXO38 protein function with a negative predictive value of 80%. Algorithms developed to predict the effect of sequence changes on RNA splicing suggest that this variant may disrupt the consensus splice site. In summary, the available evidence is currently insufficient to determine the role of this variant in disease. Therefore, it has been classified as a Variant of Uncertain Significance.

NM_205836.3(FBXO38):c.275C>T (p.Ala92Val)

Gene: FBXO38 (F-box protein 38; plus strand). Cytogenetic location: 5q32.
Variant type: single nucleotide variant.
Coding change: c.275C>T on transcript NM_205836.3 (MANE Select); coding-DNA position 275, C replaced by T.
Protein change: p.Ala92Val; replaces alanine 92 with valine.
Molecular consequence: missense variant.
Genome position (GRCh38, 1-based): chr5:148,401,994, C>T. VCF-style: chr5-148401994-C-T. GRCh37 (hg19) VCF-style: chr5-147781557-C-T.
Other names: c.275C>T, p.Ala92Val (NM_001271723.2, NM_030793.5); short protein forms A92V.
Identifiers: ClinVar variation 4748892 (VCV004748892.1).
Genomic context (GRCh38, chr5:148,401,994, plus strand): 5'-AATGAACAGAAAGATGAACCTGGCTCTAAATACTTCTGAACTTCTCAGGCTTTACAGATG[C>T]CAGTTTTCTAACACTATTAAAGAAGATGCCAGATGTTGAACAGCTATATGGCCTTCACCC-3'
Protein context (NP_995308.1, residues 82-102): WEYMPSGFTD[Ala92Val]SFLTLLKKMP